The following is an entry in ClinVar:

NM_000352.6(ABCC8):c.1644G>T (p.Thr548=)

Gene: ABCC8 (ATP binding cassette subfamily C member 8; minus strand). Cytogenetic location: 11p15.1.
Variant type: single nucleotide variant.
Coding change: c.1644G>T on transcript NM_000352.6 (MANE Select); coding-DNA position 1644, G replaced by T.
Protein change: p.Thr548=; no amino-acid change (threonine 548 retained).
Molecular consequence: synonymous variant. On other transcripts: non-coding transcript variant (1).
Genome position (GRCh38, 1-based): chr11:17,432,231, C>A on the plus strand (G>T on the coding strand, the complement: ABCC8 is on the minus strand). VCF-style: chr11-17432231-C-A. GRCh37 (hg19) VCF-style: chr11-17453778-C-A.
Other names: c.1644G>T, p.Thr548= (NM_001287174.3, NM_001351295.2); c.1641G>T, p.Thr547= (NM_001351296.2, NM_001351297.2); c.1644G>T (NM_000352.3).
Identifiers: ClinVar variation 751807 (VCV000751807.15), dbSNP rs565996783, ClinGen allele CA5903498.
Genomic context (GRCh38, chr11:17,432,231, plus strand): 5'-TACCCCCAAGAGATGGAGAAAGGATCCACTTACTATGAGGACAGCTGCAATGGGGATGGC[C>A]GTGTTCATGAAAACTGCAGAGGAAGCACAGGGAGGCGTTTAGTGGGAGGAGCGTGACAGC-3'
Protein context (NP_000343.2, residues 538-558): IYTSISIFMN[Thr548=]AIPIAAVLIT

ClinVar aggregate classification (germline): Conflicting classifications of pathogenicity. Review status: criteria provided, conflicting classifications (1 of 4 stars). 6 submissions from 5 submitters: Uncertain significance (2); Likely benign (3). 1 of the submissions does not count toward it. Last evaluated 2026-05-08.

Conditions:
Hereditary hyperinsulinism.
Inborn genetic diseases. Identifiers: MedGen C0950123, MeSH D030342.
Transitory neonatal diabetes mellitus. Also called: Transient neonatal diabetes mellitus. Identifiers: MedGen C0342273, MONDO:0020525, HP:0008255.
Maturity-onset diabetes of the young (MODY). Also called: Maturity onset diabetes mellitus in young. Identifiers: Orphanet 552, MedGen C0342276, MONDO:0018911, HP:0004904.

Allele frequency attached by ClinVar (database versions not stated): gnomAD 0.00019; TOPMed 0.00017.
gnomAD v4.1: 303 of 1,552,480 alleles (0.02%); highest among the groups gnomAD compares: Non-Finnish European, 0.025%; no homozygotes.

Submissions (6):

Women's Health and Genetics/Laboratory Corporation of America, LabCorp
Classification: Likely benign. Last evaluated: 2026-05-08. Review status: criteria provided, single submitter. Criteria: LabCorp Variant Classification Summary - May 2015. Collection method: clinical testing. Allele origin: germline.

Labcorp Genetics (formerly Invitae), Labcorp
Classification: Likely benign. Last evaluated: 2026-01-16. Review status: criteria provided, single submitter. Criteria: Invitae Variant Classification Sherloc (09022015). Collection method: clinical testing. Allele origin: germline.

Ambry Genetics
Classification: Likely benign for Inborn genetic diseases. Last evaluated: 2023-05-05. Review status: criteria provided, single submitter. Criteria: Ambry Variant Classification Scheme 2023. Collection method: clinical testing. Allele origin: germline.

Clinical Genomics, Uppaluri K&H Personalized Medicine Clinic
Classification: Uncertain significance for Maturity-onset diabetes of the young. Review status: criteria provided, single submitter. Criteria: K & H Uppaluri Personalized Medicine Clinic Variant Classification & Assertion Criteria_Updated V.1. Collection method: research. Allele origin: unknown. Inheritance: Somatic mutation.
Comment: Mutations in ABCC8 gene are associated with both neonatal diabetes mellitus as well as MODY. Patients with this mutation may have a better response to sulfonylureas. However, no sufficient evidence is found to ascertain the role of this particular variant (rs565996783) in MODY yet.

Clinical Genomics, Uppaluri K&H Personalized Medicine Clinic
Classification: Uncertain significance for Transitory neonatal diabetes mellitus. Review status: criteria provided, single submitter. Criteria: K & H Uppaluri Personalized Medicine Clinic Variant Classification & Assertion Criteria_Updated V.1. Collection method: research. Allele origin: unknown. Inheritance: Somatic mutation.
Comment: Mutations in ABCC8 gene are associated with both neonatal diabetes mellitus as well as MODY. Patients with this mutation may have a better response to sulfonylureas. However, no sufficient evidence is found to ascertain the role of this particular variant (rs565996783) in neonatal diabetes yet.

Natera, Inc.
Classification: Uncertain significance for Hereditary hyperinsulinism. Last evaluated: 2020-01-24. Review status: no assertion criteria provided. Collection method: clinical testing. Allele origin: germline. Not counted in ClinVar's aggregate classification.

Literature cited by the submitters: PubMed 16885549 (cited by Clinical Genomics, Uppaluri K&H Personalized Medicine Clinic); PubMed 21989597 (cited by Clinical Genomics, Uppaluri K&H Personalized Medicine Clinic); PubMed 27538677 (cited by Clinical Genomics, Uppaluri K&H Personalized Medicine Clinic); PubMed 18981553 (cited by Clinical Genomics, Uppaluri K&H Personalized Medicine Clinic); PubMed 32027066 (cited by Clinical Genomics, Uppaluri K&H Personalized Medicine Clinic); PubMed 16613899 (cited by Clinical Genomics, Uppaluri K&H Personalized Medicine Clinic); PubMed 18025408 (cited by Clinical Genomics, Uppaluri K&H Personalized Medicine Clinic); PubMed 32792356 (cited by Clinical Genomics, Uppaluri K&H Personalized Medicine Clinic).